The following is an entry in ClinVar:

NM_000748.3(CHRNB2):c.1257G>T (p.Pro419=)

Gene: CHRNB2 (cholinergic receptor nicotinic beta 2 subunit; plus strand). Cytogenetic location: 1q21.3.
Variant type: single nucleotide variant.
Coding change: c.1257G>T on transcript NM_000748.3 (MANE Select); coding-DNA position 1257, G replaced by T.
Protein change: p.Pro419=; no amino-acid change (proline 419 retained).
Molecular consequence: synonymous variant.
Genome position (GRCh38, 1-based): chr1:154,572,080, G>T. VCF-style: chr1-154572080-G-T. GRCh37 (hg19) VCF-style: chr1-154544556-G-T.
Identifiers: ClinVar variation 590131 (VCV000590131.40), dbSNP rs199743038, ClinGen allele CA30835147.

ClinVar aggregate classification (germline): Likely benign. Review status: criteria provided, multiple submitters, no conflicts (2 of 4 stars). 4 submissions from 4 submitters: Likely benign (4). Last evaluated 2025-08-03.

Conditions:
Familial sleep-related hypermotor epilepsy. Also called: Autosomal Dominant Sleep-Related Hypermotor (Hyperkinetic) Epilepsy. Identifiers: Orphanet 98784, MedGen C3696898, MONDO:0000030.
Inborn genetic diseases. Identifiers: MedGen C0950123, MeSH D030342.

Allele frequency attached by ClinVar (database versions not stated): gnomAD 0.00001; gnomAD exomes 0.00001; TOPMed 0.00002.

Submissions (4):

Labcorp Genetics (formerly Invitae), Labcorp
Classification: Likely benign. Last evaluated: 2025-08-03. Review status: criteria provided, single submitter. Criteria: Invitae Variant Classification Sherloc (09022015). Collection method: clinical testing. Allele origin: germline.

CeGaT Center for Human Genetics Tuebingen
Classification: Likely benign. Last evaluated: 2022-12-01. Review status: criteria provided, single submitter. Criteria: CeGaT Center For Human Genetics Tuebingen Variant Classification Criteria Version 2. Collection method: clinical testing. Allele origin: germline. Affected: yes. Observed: 1 variant allele.
Comment: CHRNB2: BP4, BP7

Blueprint Genetics
Classification: Likely benign. Last evaluated: 2022-08-22. Review status: criteria provided, single submitter. Criteria: ACMG Guidelines, 2015. Collection method: clinical testing. Allele origin: germline.

Ambry Genetics
Classification: Likely benign for Inborn genetic diseases. Last evaluated: 2017-04-21. Review status: criteria provided, single submitter. Criteria: Ambry Variant Classification Scheme 2023. Collection method: clinical testing. Allele origin: germline.